The following is an entry in ClinVar:

ClinVar aggregate classification (germline): Conflicting classifications of pathogenicity. Review status: criteria provided, conflicting classifications (1 of 4 stars). 7 submissions from 7 submitters: Uncertain significance (1); Likely benign (6). Last evaluated 2026-07-13.

Conditions:
AXIN2-related disorder.
Oligodontia-cancer predisposition syndrome. Also called: TOOTH AGENESIS-COLORECTAL CANCER SYNDROME. Identifiers: Orphanet 300576, MedGen C1837750, MONDO:0012075, OMIM 608615. Disease mechanism: loss of function.

Allele frequency attached by ClinVar (database versions not stated): gnomAD 0.00006 and 0.00005; ExAC 0.00013; gnomAD exomes 0.00001 and 0.00002; TOPMed 0.00005.
gnomAD v4.1: 26 of 1,543,494 alleles (0.0017%); highest among the groups gnomAD compares: East Asian, 0.0046%; no homozygotes.

Submissions (7):

PreventionGenetics, part of Exact Sciences
Classification: Likely benign for AXIN2-related condition. Last evaluated: 2026-07-13. Review status: criteria provided, single submitter. Criteria: ACMG Guidelines, 2015. Collection method: clinical testing. Allele origin: germline.
Comment: This variant is classified as likely benign based on ACMG/AMP sequence variant interpretation guidelines (Richards et al. 2015 PMID: 25741868, with internal and published modifications).

Labcorp Genetics (formerly Invitae), Labcorp
Classification: Likely benign for Oligodontia-cancer predisposition syndrome. Last evaluated: 2026-01-31. Review status: criteria provided, single submitter. Criteria: Invitae Variant Classification Sherloc (09022015). Collection method: clinical testing. Allele origin: germline.

Women's Health and Genetics/Laboratory Corporation of America, LabCorp
Classification: Likely benign. Last evaluated: 2025-04-16. Review status: criteria provided, single submitter. Criteria: LabCorp Variant Classification Summary - May 2015. Collection method: clinical testing. Allele origin: germline.

Center for Genomic Medicine, Rigshospitalet, Copenhagen University Hospital
Classification: Likely benign. Last evaluated: 2025-03-04. Review status: criteria provided, single submitter. Criteria: ACMG Guidelines, 2015. Collection method: clinical testing. Allele origin: germline.

Quest Diagnostics Nichols Institute San Juan Capistrano
Classification: Uncertain significance. Last evaluated: 2024-12-30. Review status: criteria provided, single submitter. Criteria: Quest Diagnostics criteria. Collection method: clinical testing. Allele origin: unknown.
Comment: The AXIN2 c.1201-7C>T variant has not been reported in individuals with AXIN2-related conditions in the published literature. The frequency of this variant in the general population (Genome Aggregation Database) is uninformative in the assessment of its pathogenicity. Analysis of this variant using software algorithms for the prediction of the effect of nucleotide changes on splicing yielded predictions that this variant does not affect AXIN2 mRNA splicing. Based on the available information, we are unable to determine the clinical significance of this variant.

Myriad Genetics, Inc.
Classification: Likely benign for Oligodontia-cancer predisposition syndrome. Last evaluated: 2024-07-01. Review status: criteria provided, single submitter. Criteria: Myriad Autosomal Dominant, Autosomal Recessive and X-Linked Classification Criteria (2023). Collection method: clinical testing. Allele origin: unknown.
Comment: This variant is considered likely benign. This variant is intronic and is not expected to impact mRNA splicing.

GeneDx
Classification: Likely benign. Last evaluated: 2019-03-01. Review status: criteria provided, single submitter. Criteria: GeneDx Variant Classification Process June 2021. Collection method: clinical testing. Allele origin: germline. Affected: yes.

NM_004655.4(AXIN2):c.1201-7C>T

Gene: AXIN2 (axin 2; minus strand). Cytogenetic location: 17q24.1.
Variant type: single nucleotide variant.
Coding change: c.1201-7C>T on transcript NM_004655.4 (MANE Select); 7 bases into the intron before coding-DNA position 1201, C replaced by T.
Molecular consequence: intron variant.
Genome position (GRCh38, 1-based): chr17:65,537,842, G>A on the plus strand (C>T on the coding strand, the complement: AXIN2 is on the minus strand). VCF-style: chr17-65537842-G-A. GRCh37 (hg19) VCF-style: chr17-63533960-G-A.
Other names: c.1201-7C>T (LRG_296t1, NM_001363813.1).
Identifiers: ClinVar variation 380265 (VCV000380265.24), dbSNP rs760667639, ClinGen allele CA8718718.